The following is an entry in ClinVar:

ClinVar aggregate classification (germline): Uncertain significance (1 of 4 stars; one submission).

gnomAD v4.1: 1 of 1,613,934 alleles (0.000062%); highest among the groups gnomAD compares: Non-Finnish European, 0.000085%; no homozygotes.

Submission:

Ambry Genetics
Classification: Uncertain significance. Last evaluated: 2021-08-10. Review status: criteria provided, single submitter. Criteria: Ambry Variant Classification Scheme 2023. Collection method: clinical testing. Allele origin: germline.
Comment: The p.P1166R variant (also known as c.3497C>G), located in coding exon 31 of the KIF1B gene, results from a C to G substitution at nucleotide position 3497. The proline at codon 1166 is replaced by arginine, an amino acid with dissimilar properties. This amino acid position is highly conserved in available vertebrate species. In addition, this alteration is predicted to be deleterious by in silico analysis. Since supporting evidence is limited at this time, the clinical significance of this alteration remains unclear.

NM_001365951.3(KIF1B):c.3635C>G (p.Pro1212Arg)

Gene: KIF1B (kinesin family member 1B; plus strand). Cytogenetic location: 1p36.22.
Variant type: single nucleotide variant.
Coding change: c.3635C>G on transcript NM_001365951.3 (MANE Select); coding-DNA position 3635, C replaced by G.
Protein change: p.Pro1212Arg; replaces proline 1212 with arginine.
Molecular consequence: missense variant.
Genome position (GRCh38, 1-based): chr1:10,343,234, C>G. VCF-style: chr1-10343234-C-G. GRCh37 (hg19) VCF-style: chr1-10403292-C-G.
Other names: c.3635C>G, p.Pro1212Arg (NM_001365952.1); c.3497C>G, p.Pro1166Arg (NM_015074.3); short protein forms P1166R, P1212R.
Identifiers: ClinVar variation 1731994 (VCV001731994.2), dbSNP rs141224290, ClinGen allele CA338342062.
Genomic context (GRCh38, chr1:10,343,234, plus strand): 5'-GAATTTCTAAAATAAATAACTCTTTATAGTCTTGATCTTTGTCTTCCTTTCTTTGCAGTC[C>G]GCCTCAGCCGTGCCGCCGATTCTTCCCTCCACCCATGCCACTGTCCAAGCCAGGTGAGCA-3'
Protein context (NP_001352880.1, residues 1202-1222): LHLQGQELNS[Pro1212Arg]PQPCRRFFPP